The following is an entry in ClinVar:

ClinVar aggregate classification (germline): Uncertain significance. Review status: criteria provided, multiple submitters, no conflicts (2 of 4 stars). 3 submissions from 3 submitters: Uncertain significance (3). Last evaluated 2025-11-05.

Conditions:
Inborn genetic diseases. Identifiers: MedGen C0950123, MeSH D030342.
ABCB4-related disorder. Also called: ABCB4-related disorders; ABCB4-related condition.

Allele frequency attached by ClinVar (database versions not stated): gnomAD exomes 0.00001 and 0.00002; ExAC 0.00003; gnomAD 0.00006; TOPMed 0.00007; ESP Exome Variant Server 0.00008.
gnomAD v4.1: 23 of 1,613,956 alleles (0.0014%); highest among the groups gnomAD compares: African/African-American, 0.024%; no homozygotes.

Submissions (3):

PreventionGenetics, part of Exact Sciences
Classification: Uncertain significance for ABCB4-related condition. Last evaluated: 2025-11-05. Review status: criteria provided, single submitter. Criteria: ACMG Guidelines, 2015. Collection method: clinical testing. Allele origin: germline.
Comment: The ABCB4 c.3131C>T variant is predicted to result in the amino acid substitution p.Pro1044Leu. To our knowledge, this variant has not been reported in the literature. This variant is reported in 0.024% of alleles in individuals of African descent in gnomAD. At this time, the clinical significance of this variant is uncertain due to the absence of conclusive functional and genetic evidence.

Ambry Genetics
Classification: Uncertain significance for Inborn genetic diseases. Last evaluated: 2025-04-15. Review status: criteria provided, single submitter. Criteria: Ambry Variant Classification Scheme 2023. Collection method: clinical testing. Allele origin: germline.

Eurofins Ntd Llc (ga)
Classification: Uncertain significance. Last evaluated: 2016-11-22. Review status: criteria provided, single submitter. Criteria: EGL Classification Definitions 2015. Collection method: clinical testing. Allele origin: germline. Observed: 2 variant alleles, 2 heterozygotes.

NM_000443.4(ABCB4):c.3131C>T (p.Pro1044Leu)

Gene: ABCB4 (ATP binding cassette subfamily B member 4; minus strand). Cytogenetic location: 7q21.12.
Variant type: single nucleotide variant.
Coding change: c.3131C>T on transcript NM_000443.4 (MANE Select); coding-DNA position 3131, C replaced by T.
Protein change: p.Pro1044Leu; replaces proline 1044 with leucine.
Molecular consequence: missense variant.
Genome position (GRCh38, 1-based): chr7:87,408,185, G>A on the plus strand (C>T on the coding strand, the complement: ABCB4 is on the minus strand). VCF-style: chr7-87408185-G-A. GRCh37 (hg19) VCF-style: chr7-87037501-G-A.
Other names: c.3131C>T (NM_000443.3); c.3131C>T, p.Pro1044Leu (NM_018849.3); c.2990C>T, p.Pro997Leu (NM_018850.3); short protein forms P1044L, P997L.
Identifiers: ClinVar variation 498801 (VCV000498801.9), dbSNP rs371152960, ClinGen allele CA4326848.